The following is an entry in ClinVar:

NM_001205293.3(CACNA1E):c.572_580del (p.Ala191_Arg193del)

Gene: CACNA1E (calcium voltage-gated channel subunit alpha1 E; plus strand). Cytogenetic location: 1q25.3.
Variant type: Deletion.
Coding change: c.572_580del on transcript NM_001205293.3 (MANE Select); coding-DNA positions 572 to 580, 9 bases deleted (CTGTGCGTG; older notation c.572_580delCTGTGCGTG).
Protein change: p.Ala191_Arg193del.
Genome position (GRCh38, 1-based): chr1:181,577,825-181,577,833, CTGTGCGTG deleted; deleting any 9 consecutive bases within chr1:181,577,824-181,577,833 gives the same sequence; the c. name uses the placement nearest the transcript's 3' end. VCF-style (leftmost placement, unchanged base first): chr1-181577823-GGCTGTGCGT-G. GRCh37 (hg19) VCF-style: chr1-181546959-GGCTGTGCGT-G.
Other names: c.572_580del, p.Ala191_Arg193del (NM_000721.4, NM_001205294.2).
Identifiers: ClinVar variation 3651334 (VCV003651334.2).
Genomic context (GRCh38, chr1:181,577,823, plus strand): 5'-CAGCATCCTGGCCACTGCAGGAACCCACTTCAATACTCACGTGGACCTGAGGACCCTCCG[GGCTGTGCGT>G]GTCCTGCGGCCTTTGAAGCTCGTGTCAGGGATACCTAGTGAGCATCTGCCATTCTTTCTG-3'

ClinVar aggregate classification (germline): Uncertain significance (1 of 4 stars; one submission).

Submission:

Labcorp Genetics (formerly Invitae), Labcorp
Classification: Uncertain significance. Last evaluated: 2024-04-27. Review status: criteria provided, single submitter. Criteria: Invitae Variant Classification Sherloc (09022015). Collection method: clinical testing. Allele origin: germline.
Comment: This variant, c.572_580del, results in the deletion of 3 amino acid(s) of the CACNA1E protein (p.Ala191_Arg193del), but otherwise preserves the integrity of the reading frame. This variant is not present in population databases (gnomAD no frequency). This variant has not been reported in the literature in individuals affected with CACNA1E-related conditions. Experimental studies and prediction algorithms are not available or were not evaluated, and the functional significance of this variant is currently unknown. In summary, the available evidence is currently insufficient to determine the role of this variant in disease. Therefore, it has been classified as a Variant of Uncertain Significance.